The following is an entry in ClinVar:

NM_005228.5(EGFR):c.2355C>G (p.Thr785=)

Genes: EGFR (epidermal growth factor receptor; plus strand), EGFR-AS1 (EGFR antisense RNA 1; minus strand). Cytogenetic location: 7p11.2.
Variant type: single nucleotide variant.
Coding change: c.2355C>G on transcript NM_005228.5 (MANE Select); coding-DNA position 2355, C replaced by G.
Protein change: p.Thr785=; no amino-acid change (threonine 785 retained).
Molecular consequence: synonymous variant. On other transcripts: non-coding transcript variant (1).
Genome position (GRCh38, 1-based): chr7:55,181,364, C>G. VCF-style: chr7-55181364-C-G. GRCh37 (hg19) VCF-style: chr7-55249057-C-G.
Other names: c.2220C>G, p.Thr740= (NM_001346897.2, NM_001346899.2); c.2355C>G, p.Thr785= (NM_001346898.2); c.2196C>G, p.Thr732= (NM_001346900.2); c.1554C>G, p.Thr518= (NM_001346941.2); c.2355C>G (NM_005228.3).
Identifiers: ClinVar variation 1605013 (VCV001605013.10), dbSNP rs148188503, ClinGen allele CA455165151.

ClinVar aggregate classification (germline): Benign/Likely benign. Review status: criteria provided, multiple submitters, no conflicts (2 of 4 stars). 3 submissions from 3 submitters: Benign (1); Likely benign (2). Last evaluated 2024-10-16.

Conditions:
EGFR-related lung cancer (EGFR). Identifiers: MedGen CN130014.
Lung cancer. Also called: Malignant tumor of lung; Lung cancer, somatic. Identifiers: MedGen C0242379, MONDO:0008903, OMIM 211980.
Hereditary cancer-predisposing syndrome. Also called: Tumor predisposition; Hereditary neoplastic syndrome; Neoplastic Syndromes, Hereditary; Hereditary Cancer Syndrome. Identifiers: Orphanet 140162, MedGen C0027672, MeSH D009386, MONDO:0015356.

gnomAD v4.1: 1 of 1,614,226 alleles (0.000062%); highest among the groups gnomAD compares: South Asian, 0.0011%; no homozygotes.

Submissions (3):

Myriad Genetics, Inc.
Classification: Benign for Lung cancer. Last evaluated: 2024-10-16. Review status: criteria provided, single submitter. Criteria: Myriad Autosomal Dominant, Autosomal Recessive and X-Linked Classification Criteria (2023). Collection method: clinical testing. Allele origin: unknown.
Comment: This variant is considered benign. This variant is a silent/synonymous amino acid change and it is not expected to impact splicing.

Ambry Genetics
Classification: Likely benign for Hereditary cancer-predisposing syndrome. Last evaluated: 2024-05-31. Review status: criteria provided, single submitter. Criteria: Ambry Variant Classification Scheme 2023. Collection method: clinical testing. Allele origin: germline.

Labcorp Genetics (formerly Invitae), Labcorp
Classification: Likely benign for EGFR-related lung cancer. Last evaluated: 2021-05-28. Review status: criteria provided, single submitter. Criteria: Invitae Variant Classification Sherloc (09022015). Collection method: clinical testing. Allele origin: germline.